The following is an entry in ClinVar:

NM_153252.5(BRWD3):c.3068+12T>G

Gene: BRWD3 (bromodomain and WD repeat domain containing 3; minus strand). Cytogenetic location: Xq21.1.
Variant type: single nucleotide variant.
Coding change: c.3068+12T>G on transcript NM_153252.5 (MANE Select); 12 bases into the intron after coding-DNA position 3068, T replaced by G.
Molecular consequence: intron variant.
Genome position (GRCh38, 1-based): chrX:80,696,727, A>C on the plus strand (T>G on the coding strand, the complement: BRWD3 is on the minus strand). VCF-style: chrX-80696727-A-C. GRCh37 (hg19) VCF-style: chrX-79952226-A-C.
Identifiers: ClinVar variation 2830864 (VCV002830864.3), dbSNP rs184197175, ClinGen allele CA2739273624.
Genomic context (GRCh38, chrX:80,696,727, plus strand): 5'-ACTGTACTCTAAAATATACAATAGGTATTAAAATACACACACTCAAACAGAGACTCAGAG[A>C]TAACTACTCACTTAATGGAAAAAGATTCTCCAGTCATTTTGCCTGAAATTGGGTCCAGAA-3'

ClinVar aggregate classification (germline): Uncertain significance (1 of 4 stars; one submission).

Submission:

Labcorp Genetics (formerly Invitae), Labcorp
Classification: Uncertain significance. Last evaluated: 2023-01-21. Review status: criteria provided, single submitter. Criteria: Invitae Variant Classification Sherloc (09022015). Collection method: clinical testing. Allele origin: germline.
Comment: This variant has not been reported in the literature in individuals affected with BRWD3-related conditions. This variant is not present in population databases (gnomAD no frequency). This sequence change falls in intron 26 of the BRWD3 gene. It does not directly change the encoded amino acid sequence of the BRWD3 protein. Algorithms developed to predict the effect of sequence changes on RNA splicing suggest that this variant may disrupt the consensus splice site. In summary, the available evidence is currently insufficient to determine the role of this variant in disease. Therefore, it has been classified as a Variant of Uncertain Significance.